The following is an entry in ClinVar:

NM_000631.5(NCF4):c.529-2A>T

Gene: NCF4 (neutrophil cytosolic factor 4; plus strand). Cytogenetic location: 22q12.3.
Variant type: single nucleotide variant.
Coding change: c.529-2A>T on transcript NM_000631.5 (MANE Select); the canonical splice acceptor site of the intron before coding-DNA position 529, A replaced by T.
Molecular consequence: splice acceptor variant.
Genome position (GRCh38, 1-based): chr22:36,872,325, A>T. VCF-style: chr22-36872325-A-T. GRCh37 (hg19) VCF-style: chr22-37268367-A-T.
Other names: c.529-2A>T (NM_013416.4).
Identifiers: ClinVar variation 1324783 (VCV001324783.11), dbSNP rs199890705, ClinGen allele CA10213079.
Genomic context (GRCh38, chr22:36,872,325, plus strand): 5'-CACTTCTATAGGAACTCAGTGAGTGTTCTCTCCTTCCCTCCTTACTGCACGCTTCTCCTC[A>T]GGCTCTATTTGACTTCACTGGAAACAGCAAACTGGAGCTGAATTTCAAAGCTGGAGATGT-3'

ClinVar aggregate classification (germline): Conflicting classifications of pathogenicity. Review status: criteria provided, conflicting classifications (1 of 4 stars). 6 submissions from 6 submitters: Pathogenic (1); Likely pathogenic (3); Uncertain significance (2). Last evaluated 2026-01-25.

Conditions:
Granulomatous disease, chronic, autosomal recessive, cytochrome b-positive, type 3. Also called: GRANULOMATOUS DISEASE, CHRONIC, AUTOSOMAL RECESSIVE, 3; CGD, AUTOSOMAL RECESSIVE CYTOCHROME b-POSITIVE, TYPE III; GRANULOMATOUS DISEASE, CHRONIC, DUE TO NCF4 DEFICIENCY; Granulomatous disease, chronic, autosomal recessive, cytochrome b-positive, type III. Identifiers: Orphanet 379, MedGen C3151409, MONDO:0013507, OMIM 613960.

Allele frequency attached by ClinVar (database versions not stated): gnomAD exomes 0.00005 and 0.00013; ExAC 0.00023; gnomAD 0.00002; TOPMed 0.00002.
gnomAD v4.1: 87 of 1,596,602 alleles (0.0054%); highest among the groups gnomAD compares: Non-Finnish European, 0.0046%; no homozygotes.

Submissions (6):

Labcorp Genetics (formerly Invitae), Labcorp
Classification: Likely pathogenic for Granulomatous disease, chronic, autosomal recessive, cytochrome b-positive, type 3. Last evaluated: 2026-01-25. Review status: criteria provided, single submitter. Criteria: Invitae Variant Classification Sherloc (09022015). Collection method: clinical testing. Allele origin: germline.
Comment: This sequence change affects an acceptor splice site in intron 6 of the NCF4 gene. It is expected to disrupt RNA splicing. Variants that disrupt the donor or acceptor splice site typically lead to a loss of protein function (PMID: 16199547), and loss-of-function variants in NCF4 are known to be pathogenic (PMID: 16880254, 19692703, 20167518). This variant is present in population databases (rs199890705, gnomAD 0.02%). Disruption of this splice site has been observed in individual(s) with clinical features of chronic granulomatous disease (PMID: 37198372; internal data). ClinVar contains an entry for this variant (Variation ID: 1324783). Algorithms developed to predict the effect of sequence changes on RNA splicing suggest that this variant may disrupt the consensus splice site. In summary, the currently available evidence indicates that the variant is pathogenic, but additional data are needed to prove that conclusively. Therefore, this variant has been classified as Likely Pathogenic.

GeneDx
Classification: Uncertain significance. Last evaluated: 2026-01-22. Review status: criteria provided, single submitter. Criteria: GeneDx Variant Classification Process June 2021. Collection method: clinical testing. Allele origin: germline.
Comment: Canonical splice site variant predicted to result in an in-frame loss of the adjacent exon in a gene for which loss of function is a known mechanism of disease; This variant is associated with the following publications: (PMID: 39836849, 37198372)

Clinical Immunology, Karolinska University Hospital
Classification: Likely pathogenic for Granulomatous disease, chronic, autosomal recessive, cytochrome b-positive, type 3. Last evaluated: 2024-11-05. Review status: criteria provided, single submitter. Criteria: ACMG Guidelines, 2015. Collection method: clinical testing. Allele origin: germline. Inheritance: Autosomal recessive inheritance. Affected: yes.
Comment: PVS1 (Strong), PP3, PP4, PP5.

Greenwood Genetic Center Diagnostic Laboratories, Greenwood Genetic Center
Classification: Pathogenic for Granulomatous disease, chronic, autosomal recessive, cytochrome b-positive, type 3. Last evaluated: 2024-06-14. Review status: criteria provided, single submitter. Criteria: ACMG Guidelines, 2015. Collection method: clinical testing. Allele origin: germline. Affected: yes.
Comment: PVS1_Strong, PS3 , PM2, PM3

Fulgent Genetics
Classification: Likely pathogenic for Granulomatous disease, chronic, autosomal recessive, cytochrome b-positive, type 3. Last evaluated: 2024-04-11. Review status: criteria provided, single submitter. Criteria: ACMG Guidelines, 2015. Collection method: clinical testing. Allele origin: germline.

Blueprint Genetics
Classification: Uncertain significance. Last evaluated: 2022-11-28. Review status: criteria provided, single submitter. Criteria: ACMG Guidelines, 2015. Collection method: clinical testing. Allele origin: germline.

Literature cited by the submitters: PubMed 16199547 (cited by Labcorp Genetics (formerly Invitae), Labcorp); PubMed 16880254 (cited by Labcorp Genetics (formerly Invitae), Labcorp); PubMed 19692703 (cited by Labcorp Genetics (formerly Invitae), Labcorp); PubMed 20167518 (cited by Labcorp Genetics (formerly Invitae), Labcorp); PubMed 37198372 (cited by Labcorp Genetics (formerly Invitae), Labcorp).